The following is an entry in ClinVar:

ClinVar aggregate classification (germline): Uncertain significance (1 of 4 stars; one submission).

Submission:

GeneDx
Classification: Uncertain significance. Last evaluated: 2023-03-20. Review status: criteria provided, single submitter. Criteria: GeneDx Variant Classification Process June 2021. Collection method: clinical testing. Allele origin: germline. Affected: yes.
Comment: Not observed at significant frequency in large population cohorts (gnomAD); In silico analysis supports that this missense variant does not alter protein structure/function; Has not been previously published as pathogenic or benign to our knowledge

NM_018122.5(DARS2):c.259G>T (p.Asp87Tyr)

Gene: DARS2 (aspartyl-tRNA synthetase 2, mitochondrial; plus strand). Cytogenetic location: 1q25.1.
Variant type: single nucleotide variant.
Coding change: c.259G>T on transcript NM_018122.5 (MANE Select); coding-DNA position 259, G replaced by T.
Protein change: p.Asp87Tyr; replaces aspartic acid 87 with tyrosine.
Molecular consequence: missense variant.
Genome position (GRCh38, 1-based): chr1:173,828,364, G>T. VCF-style: chr1-173828364-G-T. GRCh37 (hg19) VCF-style: chr1-173797502-G-T.
Other names: c.259G>T, p.Asp87Tyr (NM_001365212.1, NM_001365213.2); short protein forms D87Y.
Identifiers: ClinVar variation 2580555 (VCV002580555.1), dbSNP rs1209550754, ClinGen allele CA343756932.